The following is an entry in ClinVar:

ClinVar aggregate classification (germline): Conflicting classifications of pathogenicity. Review status: criteria provided, conflicting classifications (1 of 4 stars). 3 submissions from 3 submitters: Uncertain significance (2); Likely benign (1). Last evaluated 2024-10-28.

Conditions:
Hereditary cancer-predisposing syndrome. Also called: Neoplastic Syndromes, Hereditary; Tumor predisposition; Hereditary Cancer Syndrome; Hereditary neoplastic syndrome. Identifiers: Orphanet 140162, MedGen C0027672, MeSH D009386, MONDO:0015356.
Familial cancer of breast. Also called: BREAST CANCER, FAMILIAL; Hereditary breast cancer; hereditary breast carcinoma. Identifiers: Orphanet 227535, MedGen C0346153, MONDO:0016419, OMIM 114480. Disease mechanism: loss of function.

gnomAD v4.1: 1 of 1,614,192 alleles (0.000062%); highest among the groups gnomAD compares: Non-Finnish European, 0.000085%; no homozygotes.

Submissions (3):

Ambry Genetics
Classification: Likely benign for Hereditary cancer-predisposing syndrome. Last evaluated: 2024-10-28. Review status: criteria provided, single submitter. Criteria: Ambry Variant Classification Scheme 2023. Collection method: clinical testing. Allele origin: germline.

Color Diagnostics, LLC DBA Color Health
Classification: Uncertain significance for Hereditary cancer-predisposing syndrome. Last evaluated: 2021-04-06. Review status: criteria provided, single submitter. Criteria: ACMG Guidelines, 2015. Collection method: clinical testing. Allele origin: germline.
Comment: This missense variant replaces threonine with serine at codon 787 of the PALB2 protein. Computational prediction suggests that this variant may not impact protein structure and function (internally defined REVEL score threshold <= 0.5, PMID: 27666373). To our knowledge, functional studies have not been reported for this variant. This variant has not been reported in individuals affected with hereditary cancer in the literature. This variant has not been identified in the general population by the Genome Aggregation Database (gnomAD). The available evidence is insufficient to determine the role of this variant in disease conclusively. Therefore, this variant is classified as a Variant of Uncertain Significance.

Labcorp Genetics (formerly Invitae), Labcorp
Classification: Uncertain significance for Familial cancer of breast. Last evaluated: 2019-11-09. Review status: criteria provided, single submitter. Criteria: Invitae Variant Classification Sherloc (09022015). Collection method: clinical testing. Allele origin: germline.
Comment: In summary, the available evidence is currently insufficient to determine the role of this variant in disease. Therefore, it has been classified as a Variant of Uncertain Significance. Algorithms developed to predict the effect of missense changes on protein structure and function output the following: SIFT: "Tolerated"; PolyPhen-2: "Benign"; Align-GVGD: "Class C0". The serine amino acid residue is found in multiple mammalian species, suggesting that this missense change does not adversely affect protein function. These predictions have not been confirmed by published functional studies and their clinical significance is uncertain. This variant has not been reported in the literature in individuals with PALB2-related conditions. This variant is not present in population databases (ExAC no frequency). This sequence change replaces threonine with serine at codon 787 of the PALB2 protein (p.Thr787Ser). The threonine residue is moderately conserved and there is a small physicochemical difference between threonine and serine.

NM_024675.4(PALB2):c.2360C>G (p.Thr787Ser)

Gene: PALB2 (partner and localizer of BRCA2; minus strand). Cytogenetic location: 16p12.2.
Variant type: single nucleotide variant.
Coding change: c.2360C>G on transcript NM_024675.4 (MANE Select); coding-DNA position 2360, C replaced by G.
Protein change: p.Thr787Ser; replaces threonine 787 with serine.
Molecular consequence: missense variant.
Genome position (GRCh38, 1-based): chr16:23,629,794, G>C on the plus strand (C>G on the coding strand, the complement: PALB2 is on the minus strand). VCF-style: chr16-23629794-G-C. GRCh37 (hg19) VCF-style: chr16-23641115-G-C.
Other names: short protein forms T787S.
Identifiers: ClinVar variation 921076 (VCV000921076.15), dbSNP rs201042302, ClinGen allele CA279492250.